The following continues an entry in ClinVar:

NM_004130.4(GYG1):c.487del (p.Asp163fs)

Gene: GYG1. ClinVar aggregate classification (germline): Pathogenic. Pathogenic (15).

Submissions 12 to 17 of 17:

MGZ Medical Genetics Center
Classification: Pathogenic for Glycogen storage disease XV. Last evaluated: 2022-02-22. Review status: criteria provided, single submitter. Criteria: ACMG Guidelines, 2015. Collection method: clinical testing. Allele origin: germline. Affected: yes. Observed: 2 variant alleles.
Comment: ACMG criteria applied: PVS1, PM3, PM2_SUP, PP1

Undiagnosed Diseases Network, NIH
Classification: Pathogenic for Glycogen storage disease XV. Last evaluated: 2019-09-17. Review status: criteria provided, single submitter. Criteria: ACMG Guidelines, 2015. Collection method: clinical testing. Allele origin: unknown. Inheritance: Autosomal recessive inheritance. Affected: yes. Observed: 1 variant allele, 1 compound heterozygote.

Laboratory for Molecular Medicine, Mass General Brigham Personalized Medicine
Classification: Pathogenic for Polyglucosan body myopathy 2. Last evaluated: 2018-09-12. Review status: criteria provided, single submitter. Criteria: LMM Criteria. Collection method: clinical testing. Allele origin: germline. Inheritance: Autosomal recessive inheritance. Observed: 1 variant allele.
Comment: The p.Asp163ThrfsX5 variant in GYG1 has been reported in 2 homozygous and 2 comp ound heterozygous individuals with clinical features of polyglucosan body myopat hy 2 and segregated in the compound heterozygous state in 1 affected relative ( Ben Yaou 2017, Hedberg-Oldfors 2018, Krag 2017, Moslemi 2010). This variant has been identified in 0.076% (96/126642) of European chromosomes by the Genome Aggr egation Database (gnomAD) and reported in ClinV ar (Variation ID#162665). Although this variant has been seen in the general po pulation, its frequency is low enough to be consistent with a recessive carrier frequency. This variant is predicted to cause a frameshift, which alters the pro tein?s amino acid sequence beginning at position 163 and leads to a premature te rmination codon 5 amino acids downstream. This alteration is then predicted to l ead to a truncated or absent protein. Biallelic loss of function of the GYG1 gen e is strongly associated with polyglucosan body myopathy 2. In summary, this var iant meets criteria to be classified as pathogenic for polyglucosan body myopath y 2 in an autosomal recessive manner based upon probands, segregation, and pred icted impact on protein. ACMG/AMP Criteria applied: PVS1_Strong, PM3, PP1.

Eurofins Ntd Llc (ga)
Classification: Pathogenic. Last evaluated: 2017-08-16. Review status: criteria provided, single submitter. Criteria: EGL Classification Definitions 2015. Collection method: clinical testing. Allele origin: germline. Observed: 1 variant allele, 1 heterozygote.

OMIM
Classification: Pathogenic for POLYGLUCOSAN BODY MYOPATHY 2. Last evaluated: 2014-12-01. Review status: no assertion criteria provided. Collection method: literature only. Allele origin: germline. Not counted in ClinVar's aggregate classification.

OMIM
Classification: Pathogenic for GLYCOGEN STORAGE DISEASE XV (1 patient). Last evaluated: 2010-04-01. Review status: no assertion criteria provided. Collection method: literature only. Allele origin: germline. Not counted in ClinVar's aggregate classification.

Literature cited by the submitters: PubMed 20357282 (cited by 8 submitters); PubMed 25272951 (cited by 4 submitters); PubMed 29264399 (cited by 5 submitters); PubMed 29422440 (cited by 4 submitters); PubMed 28453664 (cited by Mayo Clinic Laboratories, Mayo Clinic and Laboratory for Molecular Medicine, Mass General Brigham Personalized Medicine); PubMed 29143313 (cited by 4 submitters); PubMed 31628455 (cited by Mayo Clinic Laboratories, Mayo Clinic); PubMed 31791869 (cited by Mayo Clinic Laboratories, Mayo Clinic); PubMed 32528171 (cited by Mayo Clinic Laboratories, Mayo Clinic).